The following is an entry in ClinVar:

NM_000057.4(BLM):c.543del (p.Ser181fs)

Gene: BLM (BLM RecQ like helicase; plus strand). Cytogenetic location: 15q26.1.
Variant type: Deletion.
Coding change: c.543del on transcript NM_000057.4 (MANE Select); coding-DNA position 543, one base deleted (C; older notation c.543delC).
Protein change: p.Ser181fs; shifts the reading frame from serine 181.
Molecular consequence: frameshift variant. On other transcripts: 5 prime UTR variant (1).
Genome position (GRCh38, 1-based): chr15:90,749,811, C deleted. VCF-style (leftmost placement, unchanged base first): chr15-90749810-GC-G. GRCh37 (hg19) VCF-style: chr15-91293040-GC-G.
Other names: c.543del (LRG_20t1); c.543del, p.Ser181fs (NM_001287246.2, NM_001287247.2); c.-749del (NM_001287248.2); short protein forms S181fs.
Identifiers: ClinVar variation 558239 (VCV000558239.4), dbSNP rs1555418380, ClinGen allele CA658824605.

ClinVar aggregate classification (germline): Pathogenic. Review status: criteria provided, single submitter (1 of 4 stars). 2 submissions from 2 submitters: Pathogenic (1). 1 of the submissions does not count toward it. Last evaluated 2024-10-07.

Conditions:
Bloom syndrome (BLM). Also called: Bloom-Torre-Machacek syndrome. Identifiers: Orphanet 125, MedGen C0005859, MONDO:0008876, OMIM 210900.

Submissions (2):

Labcorp Genetics (formerly Invitae), Labcorp
Classification: Pathogenic for Bloom syndrome. Last evaluated: 2024-10-07. Review status: criteria provided, single submitter. Criteria: Invitae Variant Classification Sherloc (09022015). Collection method: clinical testing. Allele origin: germline.
Comment: This sequence change creates a premature translational stop signal (p.Ser181Argfs*24) in the BLM gene. It is expected to result in an absent or disrupted protein product. Loss-of-function variants in BLM are known to be pathogenic (PMID: 17407155). This variant is not present in population databases (gnomAD no frequency). This variant has not been reported in the literature in individuals affected with BLM-related conditions. ClinVar contains an entry for this variant (Variation ID: 558239). For these reasons, this variant has been classified as Pathogenic.

Counsyl
Classification: Likely pathogenic for Bloom syndrome. Last evaluated: 2018-05-08. Review status: no assertion criteria provided. Collection method: clinical testing. Allele origin: unknown. Not counted in ClinVar's aggregate classification.

Literature cited by the submitters: PubMed 17407155 (cited by Labcorp Genetics (formerly Invitae), Labcorp).